The following is an entry in ClinVar:

NM_177438.3(DICER1):c.2562C>A (p.Phe854Leu)

Gene: DICER1 (dicer 1, ribonuclease III; minus strand). Cytogenetic location: 14q32.13.
Variant type: single nucleotide variant.
Coding change: c.2562C>A on transcript NM_177438.3 (MANE Select); coding-DNA position 2562, C replaced by A.
Protein change: p.Phe854Leu; replaces phenylalanine 854 with leucine.
Molecular consequence: missense variant.
Genome position (GRCh38, 1-based): chr14:95,107,968, G>T on the plus strand (C>A on the coding strand, the complement: DICER1 is on the minus strand). VCF-style: chr14-95107968-G-T. GRCh37 (hg19) VCF-style: chr14-95574305-G-T.
Other names: c.2562C>A, p.Phe854Leu (NM_001195573.1, NM_001271282.3, NM_001291628.2 and 1 more transcripts); short protein forms F854L.
Identifiers: ClinVar variation 543612 (VCV000543612.10), dbSNP rs1555370794, ClinGen allele CA390881675.

ClinVar aggregate classification (germline): Uncertain significance (1 of 4 stars; one submission).

Conditions:
DICER1-related tumor predisposition. Also called: DICER1-related pleuropulmonary blastoma cancer predisposition syndrome; DICER1 syndrome. Identifiers: Orphanet 284343, MedGen C3839822, MONDO:0100216.

Submission:

Labcorp Genetics (formerly Invitae), Labcorp
Classification: Uncertain significance for DICER1-related tumor predisposition. Last evaluated: 2021-02-02. Review status: criteria provided, single submitter. Criteria: Invitae Variant Classification Sherloc (09022015). Collection method: clinical testing. Allele origin: germline.
Comment: In summary, the available evidence is currently insufficient to determine the role of this variant in disease. Therefore, it has been classified as a Variant of Uncertain Significance. Algorithms developed to predict the effect of missense changes on protein structure and function do not agree on the potential impact of this missense change (SIFT: "Tolerated"; PolyPhen-2: "Probably Damaging"; Align-GVGD: "Class 0"). This variant has not been reported in the literature in individuals with DICER1-related disease. This variant is not present in population databases (ExAC no frequency). This sequence change replaces phenylalanine with leucine at codon 854 of the DICER1 protein (p.Phe854Leu). The phenylalanine residue is highly conserved and there is a small physicochemical difference between phenylalanine and leucine.